The following is an entry in ClinVar:

NM_000051.4(ATM):c.1317A>G (p.Leu439=)

Gene: ATM (ATM serine/threonine kinase; plus strand). Cytogenetic location: 11q22.3.
Variant type: single nucleotide variant.
Coding change: c.1317A>G on transcript NM_000051.4 (MANE Select); coding-DNA position 1317, A replaced by G.
Protein change: p.Leu439=; no amino-acid change (leucine 439 retained).
Molecular consequence: synonymous variant.
Genome position (GRCh38, 1-based): chr11:108,250,782, A>G. VCF-style: chr11-108250782-A-G. GRCh37 (hg19) VCF-style: chr11-108121509-A-G.
Other names: c.1317A>G, p.Leu439= (NM_001351834.2).
Identifiers: ClinVar variation 490420 (VCV000490420.34), dbSNP rs1232968268, ClinGen allele CA476671914.

ClinVar aggregate classification (germline): Benign/Likely benign. Review status: criteria provided, multiple submitters, no conflicts (2 of 4 stars). 6 submissions from 6 submitters: Benign (1); Likely benign (5). Last evaluated 2026-03-19.

Conditions:
Ataxia-telangiectasia syndrome (AT). Also called: LOUIS-BAR SYNDROME; Ataxia-telangiectasia, complementation group D; AT, COMPLEMENTATION GROUP C; ATAXIA-TELANGIECTASIA, COMPLEMENTATION GROUP A; ATAXIA-TELANGIECTASIA, FRESNO VARIANT; Ataxia-telangiectasia. Identifiers: Orphanet 100, MedGen C0004135, MONDO:0008840, OMIM 208900.
Hereditary cancer-predisposing syndrome. Also called: Hereditary neoplastic syndrome; Neoplastic Syndromes, Hereditary; Hereditary Cancer Syndrome; Tumor predisposition. Identifiers: Orphanet 140162, MedGen C0027672, MeSH D009386, MONDO:0015356.
Familial cancer of breast. Also called: Hereditary breast cancer; hereditary breast carcinoma; BREAST CANCER, FAMILIAL. Identifiers: Orphanet 227535, MedGen C0346153, MONDO:0016419, OMIM 114480. Disease mechanism: loss of function.

Allele frequency attached by ClinVar (database versions not stated): gnomAD exomes below 0.00001; gnomAD 0.00001; TOPMed 0.00002.
gnomAD v4.1: 6 of 1,613,134 alleles (0.00037%); highest among the groups gnomAD compares: South Asian, 0.0011%; no homozygotes.

Submissions (6):

Women's Health and Genetics/Laboratory Corporation of America, LabCorp
Classification: Likely benign. Last evaluated: 2026-03-19. Review status: criteria provided, single submitter. Criteria: LabCorp Variant Classification Summary - May 2015. Collection method: clinical testing. Allele origin: germline.

Labcorp Genetics (formerly Invitae), Labcorp
Classification: Likely benign for Ataxia-telangiectasia syndrome. Last evaluated: 2025-12-14. Review status: criteria provided, single submitter. Criteria: Invitae Variant Classification Sherloc (09022015). Collection method: clinical testing. Allele origin: germline.

CeGaT Center for Human Genetics Tuebingen
Classification: Likely benign. Last evaluated: 2024-09-01. Review status: criteria provided, single submitter. Criteria: CeGaT Center For Human Genetics Tuebingen Variant Classification Criteria Version 2. Collection method: clinical testing. Allele origin: germline. Affected: yes. Observed: 1 variant allele.
Comment: ATM: BP4, BP7

Myriad Genetics, Inc.
Classification: Benign for Familial cancer of breast. Last evaluated: 2024-04-26. Review status: criteria provided, single submitter. Criteria: Myriad Autosomal Dominant, Autosomal Recessive and X-Linked Classification Criteria (2023). Collection method: clinical testing. Allele origin: unknown.
Comment: This variant is considered benign. This variant is a silent/synonymous amino acid change and it is not expected to impact splicing.

Ambry Genetics
Classification: Likely benign for Hereditary cancer-predisposing syndrome. Last evaluated: 2018-10-12. Review status: criteria provided, single submitter. Criteria: Ambry Variant Classification Scheme 2023. Collection method: clinical testing. Allele origin: germline.

Color Diagnostics, LLC DBA Color Health
Classification: Likely benign for Hereditary cancer-predisposing syndrome. Last evaluated: 2017-08-20. Review status: criteria provided, single submitter. Criteria: ACMG Guidelines, 2015. Collection method: clinical testing. Allele origin: germline.